The following is an entry in ClinVar:

ClinVar aggregate classification (germline): Benign (0 of 4 stars; one submission).

Conditions:
MUC16-related disorder. Also called: MUC16-related condition.

Allele frequency attached by ClinVar (database versions not stated): 1000 Genomes Project 30x 0.00937.

Submission:

PreventionGenetics, part of Exact Sciences
Classification: Benign for MUC16-related condition. Last evaluated: 2019-04-25. Review status: no assertion criteria provided. Collection method: clinical testing. Allele origin: germline.
Comment: This variant is classified as benign based on ACMG/AMP sequence variant interpretation guidelines (Richards et al. 2015 PMID: 25741868, with internal and published modifications).

NM_001401501.2(MUC16):c.39192C>A (p.Ser13064Arg)

Gene: MUC16 (mucin 16, cell surface associated; minus strand). Cytogenetic location: 19p13.2.
Variant type: single nucleotide variant.
Coding change: c.39192C>A on transcript NM_001401501.2 (MANE Select); coding-DNA position 39192, C replaced by A.
Protein change: p.Ser13064Arg; replaces serine 13064 with arginine.
Molecular consequence: missense variant.
Genome position (GRCh38, 1-based): chr19:8,899,979, G>T on the plus strand (C>A on the coding strand, the complement: MUC16 is on the minus strand). VCF-style: chr19-8899979-G-T. GRCh37 (hg19) VCF-style: chr19-9010655-G-T.
Other names: c.39618C>A, p.Ser13206Arg (NM_001414686.1); c.39072C>A, p.Ser13024Arg (NM_001414687.1); c.39006C>A, p.Ser13002Arg (NM_024690.2); short protein forms S13002R, S13024R, S13064R, S13206R.
Identifiers: ClinVar variation 3041191 (VCV003041191.2), dbSNP rs1337261124, ClinGen allele CA403821053.